The following is an entry in ClinVar:

NM_003907.3(EIF2B5):c.2039C>T (p.Thr680Ile)

Gene: EIF2B5 (eukaryotic translation initiation factor 2B subunit epsilon; plus strand). Cytogenetic location: 3q27.1.
Variant type: single nucleotide variant.
Coding change: c.2039C>T on transcript NM_003907.3 (MANE Select); coding-DNA position 2039, C replaced by T.
Protein change: p.Thr680Ile; replaces threonine 680 with isoleucine.
Molecular consequence: missense variant.
Genome position (GRCh38, 1-based): chr3:184,144,640, C>T. VCF-style: chr3-184144640-C-T. GRCh37 (hg19) VCF-style: chr3-183862428-C-T.
Other names: short protein forms T680I.
Identifiers: ClinVar variation 1714274 (VCV001714274.5), dbSNP rs2473673867, ClinGen allele CA355395574.

ClinVar aggregate classification (germline): Uncertain significance (1 of 4 stars; one submission).

gnomAD v4.1: 1 of 1,614,088 alleles (0.000062%); no homozygotes.

Submission:

Labcorp Genetics (formerly Invitae), Labcorp
Classification: Uncertain significance. Last evaluated: 2022-07-29. Review status: criteria provided, single submitter. Criteria: Invitae Variant Classification Sherloc (09022015). Collection method: clinical testing. Allele origin: germline.
Comment: This sequence change replaces threonine, which is neutral and polar, with isoleucine, which is neutral and non-polar, at codon 680 of the EIF2B5 protein (p.Thr680Ile). This variant is not present in population databases (gnomAD no frequency). This variant has not been reported in the literature in individuals affected with EIF2B5-related conditions. Advanced modeling of protein sequence and biophysical properties (such as structural, functional, and spatial information, amino acid conservation, physicochemical variation, residue mobility, and thermodynamic stability) performed at Invitae indicates that this missense variant is not expected to disrupt EIF2B5 protein function. In summary, the available evidence is currently insufficient to determine the role of this variant in disease. Therefore, it has been classified as a Variant of Uncertain Significance.